The following is an entry in ClinVar:

ClinVar aggregate classification (germline): Uncertain significance (0 of 4 stars; one submission).

Conditions:
TRPV4-related disorder. Also called: TRPV4-related condition; TRPV4-related disorders.

Submission:

PreventionGenetics, part of Exact Sciences
Classification: Uncertain significance for TRPV4-related condition. Last evaluated: 2023-10-23. Review status: no assertion criteria provided. Collection method: clinical testing. Allele origin: germline.
Comment: The TRPV4 c.1636G>T variant is predicted to result in the amino acid substitution p.Asp546Tyr. To our knowledge, this variant has not been reported in the literature or in a large population database, indicating this variant is rare. At this time, the clinical significance of this variant is uncertain due to the absence of conclusive functional and genetic evidence.

NM_021625.5(TRPV4):c.1636G>T (p.Asp546Tyr)

Gene: TRPV4 (transient receptor potential cation channel subfamily V member 4; minus strand). Cytogenetic location: 12q24.11.
Variant type: single nucleotide variant.
Coding change: c.1636G>T on transcript NM_021625.5 (MANE Select); coding-DNA position 1636, G replaced by T.
Protein change: p.Asp546Tyr; replaces aspartic acid 546 with tyrosine.
Molecular consequence: missense variant.
Genome position (GRCh38, 1-based): chr12:109,793,549, C>A on the plus strand (G>T on the coding strand, the complement: TRPV4 is on the minus strand). VCF-style: chr12-109793549-C-A. GRCh37 (hg19) VCF-style: chr12-110231354-C-A.
Other names: c.1456G>T, p.Asp486Tyr (NM_147204.3); c.1495G>T, p.Asp499Tyr (NM_001177428.2); c.1534G>T, p.Asp512Tyr (NM_001177431.2); c.1315G>T, p.Asp439Tyr (NM_001177433.2); short protein forms D439Y, D486Y, D499Y, D512Y, D546Y.
Identifiers: ClinVar variation 3030000 (VCV003030000.2), dbSNP rs2548728727, ClinGen allele CA386651582.